The following is an entry in ClinVar:

NM_032447.5(FBN3):c.6952G>A (p.Ala2318Thr)

Gene: FBN3 (fibrillin 3; minus strand). Cytogenetic location: 19p13.2.
Variant type: single nucleotide variant.
Coding change: c.6952G>A on transcript NM_032447.5 (MANE Select); coding-DNA position 6952, G replaced by A.
Protein change: p.Ala2318Thr; replaces alanine 2318 with threonine.
Molecular consequence: missense variant.
Genome position (GRCh38, 1-based): chr19:8,085,498, C>T on the plus strand (G>A on the coding strand, the complement: FBN3 is on the minus strand). VCF-style: chr19-8085498-C-T. GRCh37 (hg19) VCF-style: chr19-8150382-C-T.
Other names: c.6952G>A, p.Ala2318Thr (NM_001321431.2); short protein forms A2318T.
Identifiers: ClinVar variation 2037433 (VCV002037433.6), dbSNP rs151083198, ClinGen allele CA9151043.

ClinVar aggregate classification (germline): Uncertain significance. Review status: criteria provided, multiple submitters, no conflicts (2 of 4 stars). 2 submissions from 2 submitters: Uncertain significance (2). Last evaluated 2025-12-20.

Allele frequency attached by ClinVar (database versions not stated): TOPMed 0.00026; 1000 Genomes Project 30x 0.00031; gnomAD 0.00032; ESP Exome Variant Server 0.00039; 1000 Genomes Project 0.00040; gnomAD exomes 0.00045; ExAC 0.00077.
gnomAD v4.1: 691 of 1,593,954 alleles (0.043%); highest among the groups gnomAD compares: Middle Eastern, 0.65%; no homozygotes.

Submissions (2):

Labcorp Genetics (formerly Invitae), Labcorp
Classification: Uncertain significance. Last evaluated: 2025-12-20. Review status: criteria provided, single submitter. Criteria: Invitae Variant Classification Sherloc (09022015). Collection method: clinical testing. Allele origin: germline.
Comment: This sequence change replaces alanine, which is neutral and non-polar, with threonine, which is neutral and polar, at codon 2318 of the FBN3 protein (p.Ala2318Thr). This variant is present in population databases (rs151083198, gnomAD 0.05%), and has an allele count higher than expected for a pathogenic variant. This variant has not been reported in the literature in individuals affected with FBN3-related conditions. ClinVar contains an entry for this variant (Variation ID: 2037433). Invitae Evidence Modeling of protein sequence and biophysical properties (such as structural, functional, and spatial information, amino acid conservation, physicochemical variation, residue mobility, and thermodynamic stability) indicates that this missense variant is not expected to disrupt FBN3 protein function with a negative predictive value of 80%. In summary, the available evidence is currently insufficient to determine the role of this variant in disease. Therefore, it has been classified as a Variant of Uncertain Significance.

Ambry Genetics
Classification: Uncertain significance. Last evaluated: 2025-08-02. Review status: criteria provided, single submitter. Criteria: Ambry Variant Classification Scheme 2023. Collection method: clinical testing. Allele origin: germline.